The following is an entry in ClinVar:

NM_006015.6(ARID1A):c.2936C>A (p.Thr979Asn)

Gene: ARID1A (AT-rich interaction domain 1A; plus strand). Cytogenetic location: 1p36.11.
Variant type: single nucleotide variant.
Coding change: c.2936C>A on transcript NM_006015.6 (MANE Select); coding-DNA position 2936, C replaced by A.
Protein change: p.Thr979Asn; replaces threonine 979 with asparagine.
Molecular consequence: missense variant.
Genome position (GRCh38, 1-based): chr1:26,766,514, C>A. VCF-style: chr1-26766514-C-A. GRCh37 (hg19) VCF-style: chr1-27093005-C-A.
Other names: c.2936C>A, p.Thr979Asn (NM_139135.4); short protein forms T979N.
Identifiers: ClinVar variation 4779076 (VCV004779076.1).

ClinVar aggregate classification (germline): Uncertain significance (1 of 4 stars; one submission).

gnomAD v4.1: 4 of 1,613,990 alleles (0.00025%); highest among the groups gnomAD compares: Non-Finnish European, 0.00034%; no homozygotes.

Submission:

Labcorp Genetics (formerly Invitae), Labcorp
Classification: Uncertain significance. Last evaluated: 2025-12-13. Review status: criteria provided, single submitter. Criteria: Invitae Variant Classification Sherloc (09022015). Collection method: clinical testing. Allele origin: germline.
Comment: This sequence change replaces threonine, which is neutral and polar, with asparagine, which is neutral and polar, at codon 979 of the ARID1A protein (p.Thr979Asn). This variant is not present in population databases (gnomAD no frequency). This variant has not been reported in the literature in individuals affected with ARID1A-related conditions. Invitae Evidence Modeling of protein sequence and biophysical properties (such as structural, functional, and spatial information, amino acid conservation, physicochemical variation, residue mobility, and thermodynamic stability) indicates that this missense variant is not expected to disrupt ARID1A protein function with a negative predictive value of 80%. In summary, the available evidence is currently insufficient to determine the role of this variant in disease. Therefore, it has been classified as a Variant of Uncertain Significance.